The following is an entry in ClinVar:

NM_001308093.3(GATA4):c.1001-23G>A

Gene: GATA4 (GATA binding protein 4). Cytogenetic location: 8p23.1.
Variant type: single nucleotide variant.
Coding change: c.1001-23G>A on transcript NM_001308093.3 (MANE Select); 23 bases into the intron before coding-DNA position 1001, G replaced by A.
Molecular consequence: intron variant.
Genome position (GRCh38, 1-based): chr8:11,756,912, G>A. VCF-style: chr8-11756912-G-A. GRCh37 (hg19) VCF-style: chr8-11614421-G-A.
Other names: c.380-23G>A (NM_001308094.2, NM_001374273.1); c.998-23G>A (NM_002052.5); c.254-23G>A (NM_001374274.1).
Identifiers: ClinVar variation 3355588 (VCV003355588.2).

ClinVar aggregate classification (germline): Likely benign. Review status: criteria provided, single submitter (1 of 4 stars). 2 submissions from 2 submitters: Likely benign (1). 1 of the submissions does not count toward it. Last evaluated 2023-06-13.

Conditions:
GATA4-related disorder. Also called: GATA4-related condition. Identifiers: MedGen CN860321.

Submissions (2):

Blueprint Genetics
Classification: Likely benign. Last evaluated: 2023-06-13. Review status: criteria provided, single submitter. Criteria: ACMG Guidelines, 2015. Collection method: clinical testing. Allele origin: germline.

PreventionGenetics, part of Exact Sciences
Classification: Likely benign for GATA4-related condition. Last evaluated: 2024-05-13. Review status: no assertion criteria provided. Collection method: clinical testing. Allele origin: germline. Not counted in ClinVar's aggregate classification.
Comment: This variant is classified as likely benign based on ACMG/AMP sequence variant interpretation guidelines (Richards et al. 2015 PMID: 25741868, with internal and published modifications).